The following is an entry in ClinVar:

ClinVar aggregate classification (germline): Benign/Likely benign. Review status: criteria provided, multiple submitters, no conflicts (2 of 4 stars). 7 submissions from 7 submitters: Benign (5); Likely benign (1). 1 of the submissions does not count toward it. Last evaluated 2025-12-16.

Conditions:
TUBB4A-related disorder. Also called: TUBB4A-related condition.
Leukodystrophy, hypomyelinating, 6. Also called: TUBB4A-Associated Leukodystrophy; Hypomyelination with Atrophy of Basal Ganglia and Cerebellum (H-ABC); LEUKODYSTROPHY, HYPOMYELINATING, WITH ATROPHY OF THE BASAL GANGLIA AND CEREBELLUM. Identifiers: Orphanet 139441, MedGen C2676244, MONDO:0012905, OMIM 612438.

Allele frequency attached by ClinVar (database versions not stated): gnomAD exomes 0.00023 and 0.00065; ExAC 0.00081; 1000 Genomes Project 30x 0.00141; 1000 Genomes Project 0.00160; gnomAD 0.00245 and 0.00270; TOPMed 0.00248; ESP Exome Variant Server 0.00284.
gnomAD v4.1: 718 of 1,614,194 alleles (0.044%); highest among the groups gnomAD compares: African/African-American, 0.83%; 5 homozygotes.

Submissions (7):

Labcorp Genetics (formerly Invitae), Labcorp
Classification: Benign for Leukodystrophy, hypomyelinating, 6. Last evaluated: 2025-12-16. Review status: criteria provided, single submitter. Criteria: Invitae Variant Classification Sherloc (09022015). Collection method: clinical testing. Allele origin: germline.

Blueprint Genetics
Classification: Likely benign. Last evaluated: 2024-10-22. Review status: criteria provided, single submitter. Criteria: ACMG Guidelines, 2015. Collection method: clinical testing. Allele origin: germline.

Mayo Clinic Laboratories, Mayo Clinic
Classification: Benign. Last evaluated: 2023-06-09. Review status: criteria provided, single submitter. Criteria: ACMG Guidelines, 2015. Collection method: clinical testing. Allele origin: germline. Observed: 2 variant alleles.
Comment: BS1, BS2, BP4, BP7

CeGaT Center for Human Genetics Tuebingen
Classification: Benign. Last evaluated: 2022-06-01. Review status: criteria provided, single submitter. Criteria: CeGaT Center For Human Genetics Tuebingen Variant Classification Criteria Version 2. Collection method: clinical testing. Allele origin: germline. Affected: yes. Observed: 1 variant allele.
Comment: TUBB4A: BS1, BS2

GeneDx
Classification: Benign. Last evaluated: 2020-02-13. Review status: criteria provided, single submitter. Criteria: GeneDx Variant Classification Process June 2021. Collection method: clinical testing. Allele origin: germline. Affected: yes.

Breakthrough Genomics
Classification: Benign. Review status: criteria provided, single submitter. Criteria: ACMG Guidelines, 2015. Collection method: not provided. Allele origin: germline. Inheritance: Autosomal dominant inheritance. Affected: yes.

PreventionGenetics, part of Exact Sciences
Classification: Benign for TUBB4A-related condition. Last evaluated: 2019-09-11. Review status: no assertion criteria provided. Collection method: clinical testing. Allele origin: germline. Not counted in ClinVar's aggregate classification.
Comment: This variant is classified as benign based on ACMG/AMP sequence variant interpretation guidelines (Richards et al. 2015 PMID: 25741868, with internal and published modifications).

NM_006087.4(TUBB4A):c.585T>C (p.Asn195=)

Gene: TUBB4A (tubulin beta 4A class IVa; minus strand). Cytogenetic location: 19p13.3.
Variant type: single nucleotide variant.
Coding change: c.585T>C on transcript NM_006087.4 (MANE Select); coding-DNA position 585, T replaced by C.
Protein change: p.Asn195=; no amino-acid change (asparagine 195 retained).
Molecular consequence: synonymous variant.
Genome position (GRCh38, 1-based): chr19:6,495,914, A>G on the plus strand (T>C on the coding strand, the complement: TUBB4A is on the minus strand). VCF-style: chr19-6495914-A-G. GRCh37 (hg19) VCF-style: chr19-6495925-A-G.
Other names: p.Asn195=; c.738T>C, p.Asn246= (NM_001289123.2); c.720T>C, p.Asn240= (NM_001289127.2); c.585T>C, p.Asn195= (NM_001289129.2); c.369T>C, p.Asn123= (NM_001289130.2, NM_001289131.2).
Identifiers: ClinVar variation 513776 (VCV000513776.47), dbSNP rs139391205, ClinGen allele CA9127348.